The following is an entry in ClinVar:

ClinVar aggregate classification (germline): Uncertain significance (0 of 4 stars; one submission).

Conditions:
AQR-related condition.

Submission:

PreventionGenetics, part of Exact Sciences
Classification: Uncertain significance for AQR-related condition. Last evaluated: 2024-07-05. Review status: no assertion criteria provided. Collection method: clinical testing. Allele origin: germline.
Comment: The AQR c.495A>C variant is predicted to result in the amino acid substitution p.Gln165His. To our knowledge, this variant has not been reported in the literature or in a large population database, indicating this variant is rare. At this time, the clinical significance of this variant is uncertain due to the absence of conclusive functional and genetic evidence.

NM_014691.3(AQR):c.495A>C (p.Gln165His)

Gene: AQR (aquarius intron-binding spliceosomal factor; minus strand). Cytogenetic location: 15q14.
Variant type: single nucleotide variant.
Coding change: c.495A>C on transcript NM_014691.3 (MANE Select); coding-DNA position 495, A replaced by C.
Protein change: p.Gln165His; replaces glutamine 165 with histidine.
Molecular consequence: missense variant.
Genome position (GRCh38, 1-based): chr15:34,942,057, T>G on the plus strand (A>C on the coding strand, the complement: AQR is on the minus strand). VCF-style: chr15-34942057-T-G. GRCh37 (hg19) VCF-style: chr15-35234258-T-G.
Other names: short protein forms Q165H.
Identifiers: ClinVar variation 3346508 (VCV003346508.1).
Genomic context (GRCh38, chr15:34,942,057, plus strand): 5'-AAATTAGAGACTTACCAGCTGTAAGCCCATCCACATTGGGAGGGAGATAAGCTGCTGTAC[T>G]TGACTTCGTATCAAGTCTACTTCCTGTTTAGGGCATGAAGAAAATAAGTTTATAAACATA-3'
Protein context (NP_055506.1, residues 155-175): NSLEVDLIRS[Gln165His]VQQLISLPMW